The following is an entry in ClinVar:

NM_139343.3(BIN1):c.1674+143G>A

Gene: BIN1 (bridging integrator 1; minus strand). Cytogenetic location: 2q14.3.
Variant type: single nucleotide variant.
Coding change: c.1674+143G>A on transcript NM_139343.3 (MANE Select); 143 bases into the intron after coding-DNA position 1674, G replaced by A.
Molecular consequence: intron variant.
Genome position (GRCh38, 1-based): chr2:127,050,278, C>T on the plus strand (G>A on the coding strand, the complement: BIN1 is on the minus strand). VCF-style: chr2-127050278-C-T. GRCh37 (hg19) VCF-style: chr2-127807854-C-T.
Other names: c.1593+143G>A (NM_001320642.1); c.1050+143G>A (NM_001320634.1); c.1122+143G>A (NM_139351.3); c.1212+143G>A (NM_139350.3); c.1320+143G>A (NM_139349.3); c.1341+143G>A (NM_139348.3); c.1449+143G>A (NM_139347.3); c.1581+143G>A (NM_001320641.2); and 7 more.
Identifiers: ClinVar variation 671711 (VCV000671711.1), dbSNP rs12466852, ClinGen allele CA55336560.

ClinVar aggregate classification (germline): Benign (1 of 4 stars; one submission).

Allele frequency attached by ClinVar (database versions not stated): gnomAD 0.03327 and 0.03865; TOPMed 0.03370; 1000 Genomes Project 30x 0.08167; 1000 Genomes Project 0.08207.
gnomAD v4.1: 35,943 of 785,660 alleles (4.6%); highest among the groups gnomAD compares: Admixed American, 15%; 1,799 homozygotes.

Submission:

GeneDx
Classification: Benign. Last evaluated: 2018-06-16. Review status: criteria provided, single submitter. Criteria: GeneDx Variant Classification (06012015). Collection method: clinical testing. Allele origin: germline. Affected: yes.
Comment: This variant is considered likely benign or benign based on one or more of the following criteria: it is a conservative change, it occurs at a poorly conserved position in the protein, it is predicted to be benign by multiple in silico algorithms, and/or has population frequency not consistent with disease.